The following is an entry in ClinVar:

ClinVar aggregate classification (germline): Uncertain significance. Review status: criteria provided, multiple submitters, no conflicts (2 of 4 stars). 2 submissions from 2 submitters: Uncertain significance (2). Last evaluated 2025-10-29.

Conditions:
Inborn genetic diseases. Identifiers: MedGen C0950123, MeSH D030342.

gnomAD v4.1: 20 of 1,613,304 alleles (0.0012%); highest among the groups gnomAD compares: Non-Finnish European, 0.0016%; no homozygotes.

Submissions (2):

Ambry Genetics
Classification: Uncertain significance for Inborn genetic diseases. Last evaluated: 2025-10-29. Review status: criteria provided, single submitter. Criteria: Ambry Variant Classification Scheme 2023. Collection method: clinical testing. Allele origin: germline.

Labcorp Genetics (formerly Invitae), Labcorp
Classification: Uncertain significance. Last evaluated: 2024-10-27. Review status: criteria provided, single submitter. Criteria: Invitae Variant Classification Sherloc (09022015). Collection method: clinical testing. Allele origin: germline.
Comment: This sequence change replaces valine, which is neutral and non-polar, with leucine, which is neutral and non-polar, at codon 550 of the TMC1 protein (p.Val550Leu). This variant is present in population databases (rs201465054, gnomAD 0.008%). This missense change has been observed in individual(s) with autosomal recessive deafness (internal data). In at least one individual the data is consistent with being in trans (on the opposite chromosome) from a pathogenic variant. Invitae Evidence Modeling of protein sequence and biophysical properties (such as structural, functional, and spatial information, amino acid conservation, physicochemical variation, residue mobility, and thermodynamic stability) has been performed for this missense variant. However, the output from this modeling did not meet the statistical confidence thresholds required to predict the impact of this variant on TMC1 protein function. In summary, the available evidence is currently insufficient to determine the role of this variant in disease. Therefore, it has been classified as a Variant of Uncertain Significance.

NM_138691.3(TMC1):c.1648G>T (p.Val550Leu)

Gene: TMC1 (transmembrane channel like 1; plus strand). Cytogenetic location: 9q21.13.
Variant type: single nucleotide variant.
Coding change: c.1648G>T on transcript NM_138691.3 (MANE Select); coding-DNA position 1648, G replaced by T.
Protein change: p.Val550Leu; replaces valine 550 with leucine.
Molecular consequence: missense variant.
Genome position (GRCh38, 1-based): chr9:72,805,463, G>T. VCF-style: chr9-72805463-G-T. GRCh37 (hg19) VCF-style: chr9-75420379-G-T.
Other names: c.1648G>T (NM_138691.2); short protein forms V550L.
Identifiers: ClinVar variation 3607151 (VCV003607151.3).
Genomic context (GRCh38, chr9:72,805,463, plus strand): 5'-TCTGATGTTCTGACCACCTACGTCACAATCCTCATTGGGGACTTTCTAAGGGCATGTTTT[G>T]TGAGGTTTTGCAATTATTGCTGGTGCTGGGACTTGGAGTATGGATATGTAAGTATGATGT-3'
Protein context (NP_619636.2, residues 540-560): LIGDFLRACF[Val550Leu]RFCNYCWCWD